The following is an entry in ClinVar:

NM_000388.4(CASR):c.2693G>A (p.Arg898Gln)

Gene: CASR (calcium sensing receptor; plus strand). Cytogenetic location: 3q21.1.
Variant type: single nucleotide variant.
Coding change: c.2693G>A on transcript NM_000388.4 (MANE Select); coding-DNA position 2693, G replaced by A.
Protein change: p.Arg898Gln; replaces arginine 898 with glutamine.
Molecular consequence: missense variant.
Genome position (GRCh38, 1-based): chr3:122,284,647, G>A. VCF-style: chr3-122284647-G-A. GRCh37 (hg19) VCF-style: chr3-122003494-G-A.
Other names: c.2723G>A, p.Arg908Gln (NM_001178065.2); short protein forms R898Q, R908Q.
Identifiers: ClinVar variation 8359 (VCV000008359.13), dbSNP rs121909269, ClinGen allele CA119549.
Genomic context (GRCh38, chr3:122,284,647, plus strand): 5'-CTCACGCTTTCAAGGTGGCTGCCCGGGCCACGCTGCGCCGCAGCAACGTCTCCCGCAAGC[G>A]GTCCAGCAGCCTTGGAGGCTCCACGGGATCCACCCCCTCCTCCTCCATCAGCAGCAAGAG-3'
Protein context (NP_000379.3, residues 888-908): TLRRSNVSRK[Arg898Gln]SSSLGGSTGS

ClinVar aggregate classification (germline): Uncertain significance. Review status: criteria provided, multiple submitters, no conflicts (2 of 4 stars). 4 submissions from 4 submitters: Uncertain significance (3). 1 of the submissions does not count toward it. Last evaluated 2024-04-22.

Conditions:
Familial hypocalciuric hypercalcemia 1. Also called: Hypercalcemia, familial benign type 1. Identifiers: Orphanet 405, Orphanet 93372, MedGen C0342637, MONDO:0007791, OMIM 145980.
Autosomal dominant hypocalcemia 1 (HYPOC1). Also called: HYPOCALCEMIA, FAMILIAL. Identifiers: MedGen C3715128, MONDO:0011013, OMIM 601198.
Epilepsy, idiopathic generalized, susceptibility to, 8. Identifiers: MedGen C2752062, MONDO:0013032, OMIM 612899.
Neonatal severe primary hyperparathyroidism. Identifiers: Orphanet 417, MedGen C1832615, MONDO:0009397, OMIM 239200.
Familial hypocalciuric hypercalcemia (FHH). Also called: Familial benign hypercalcemia. Identifiers: Orphanet 405, MedGen C1809471, MONDO:0018458.
Nephrolithiasis/nephrocalcinosis. Identifiers: MedGen CN580796.

Allele frequency attached by ClinVar (database versions not stated): ExAC 0.00003; gnomAD exomes 0.00003.
gnomAD v4.1: 15 of 1,613,904 alleles (0.00093%); highest among the groups gnomAD compares: South Asian, 0.013%; no homozygotes.

Submissions (4):

Labcorp Genetics (formerly Invitae), Labcorp
Classification: Uncertain significance for Familial hypocalciuric hypercalcemia; Autosomal dominant hypocalcemia 1. Last evaluated: 2024-04-22. Review status: criteria provided, single submitter. Criteria: Invitae Variant Classification Sherloc (09022015). Collection method: clinical testing. Allele origin: germline.
Comment: This sequence change replaces arginine, which is basic and polar, with glutamine, which is neutral and polar, at codon 898 of the CASR protein (p.Arg898Gln). This variant is present in population databases (rs121909269, gnomAD 0.03%). This missense change has been observed in individual(s) with epilepsy (PMID: 18756473). ClinVar contains an entry for this variant (Variation ID: 8359). An algorithm developed to predict the effect of missense changes on protein structure and function (PolyPhen-2) suggests that this variant is likely to be tolerated. Experimental studies have shown that this missense change affects CASR function (PMID: 20798521). In summary, the available evidence is currently insufficient to determine the role of this variant in disease. Therefore, it has been classified as a Variant of Uncertain Significance.

Ambry Genetics
Classification: Uncertain significance for Nephrolithiasis/nephrocalcinosis. Last evaluated: 2024-02-19. Review status: criteria provided, single submitter. Criteria: Ambry Variant Classification Scheme 2023. Collection method: clinical testing. Allele origin: germline.
Comment: The p.R898Q variant (also known as c.2693G>A), located in coding exon 6 of the CASR gene, results from a G to A substitution at nucleotide position 2693. The arginine at codon 898 is replaced by glutamine, an amino acid with highly similar properties. This alteration was identified in multiple family members diagnosed with idiopathic epilepsy and reportedly co-segregated with disease (Kapoor A et al. Ann Neurol, 2008 Aug;64:158-67). Additionally, in vitro studies showed that R898Q enhances targeting to the plasma membrane and increases extracellular Ca2+-stimulated ERK1/2 phosphorylation (Stepanchick A et al. Cell Physiol Biochem, 2010 Aug;26:363-74). This amino acid position is well conserved in available vertebrate species. In addition, the in silico prediction for this alteration is inconclusive. In addition, the evidence for the gene-disease relationship is limited for pancreatitis and cancer predisposition; therefore, the clinical significance of this variant for CASR-related pancreatitis and cancer predisposition is unclear. Based on the available evidence, the clinical significance of this alteration remains unclear.

Fulgent Genetics
Classification: Uncertain significance for Familial hypocalciuric hypercalcemia 1; Neonatal severe primary hyperparathyroidism; Autosomal dominant hypocalcemia 1; Epilepsy, idiopathic generalized, susceptibility to, 8. Last evaluated: 2022-03-04. Review status: criteria provided, single submitter. Criteria: ACMG Guidelines, 2015. Collection method: clinical testing. Allele origin: unknown.

OMIM
Classification: risk factor for EPILEPSY, IDIOPATHIC GENERALIZED, SUSCEPTIBILITY TO, 8 (1 family). Last evaluated: 2008-08-01. Review status: no assertion criteria provided. Collection method: literature only. Allele origin: germline. Not counted in ClinVar's aggregate classification.

Literature cited by the submitters: PubMed 18756473 (cited by 3 submitters); PubMed 20798521 (cited by 3 submitters).